The following is an entry in ClinVar:

ClinVar aggregate classification (germline): Uncertain significance (1 of 4 stars; one submission).

Conditions:
Neuroblastoma, susceptibility to, 3. Also called: ALK-Related Neuroblastic Tumor Susceptibility. Identifiers: Orphanet 635, MedGen C2751681, MONDO:0013083, OMIM 613014.

gnomAD v4.1: 3 of 1,614,194 alleles (0.00019%); highest among the groups gnomAD compares: South Asian, 0.0011%; no homozygotes.

Submission:

Labcorp Genetics (formerly Invitae), Labcorp
Classification: Uncertain significance for Neuroblastoma, susceptibility to, 3. Last evaluated: 2021-09-28. Review status: criteria provided, single submitter. Criteria: Invitae Variant Classification Sherloc (09022015). Collection method: clinical testing. Allele origin: germline.
Comment: This sequence change replaces methionine with lysine at codon 378 of the ALK protein (p.Met378Lys). The methionine residue is weakly conserved and there is a moderate physicochemical difference between methionine and lysine. In summary, the available evidence is currently insufficient to determine the role of this variant in disease. Therefore, it has been classified as a Variant of Uncertain Significance. Algorithms developed to predict the effect of missense changes on protein structure and function are either unavailable or do not agree on the potential impact of this missense change (SIFT: "Deleterious"; PolyPhen-2: "Benign"; Align-GVGD: "Class C0"). This variant has not been reported in the literature in individuals affected with ALK-related conditions. This variant is not present in population databases (ExAC no frequency).

NM_004304.5(ALK):c.1133T>A (p.Met378Lys)

Gene: ALK (ALK receptor tyrosine kinase; minus strand). Cytogenetic location: 2p23.2.
Variant type: single nucleotide variant.
Coding change: c.1133T>A on transcript NM_004304.5 (MANE Select); coding-DNA position 1133, T replaced by A.
Protein change: p.Met378Lys; replaces methionine 378 with lysine.
Molecular consequence: missense variant.
Genome position (GRCh38, 1-based): chr2:29,531,936, A>T on the plus strand (T>A on the coding strand, the complement: ALK is on the minus strand). VCF-style: chr2-29531936-A-T. GRCh37 (hg19) VCF-style: chr2-29754802-A-T.
Other names: short protein forms M378K.
Identifiers: ClinVar variation 1440195 (VCV001440195.6), dbSNP rs1178669386, ClinGen allele CA346587207.
Genomic context (GRCh38, chr2:29,531,936, plus strand): 5'-CTGGTATAAAATCAATTTTGGACATGGAGAAGTACTTACCCATGCTTCCCTGGAGTGGGC[A>T]TCAGGAGGATCTCTCTTGCAGCCTCGTTGTGGGGCAGCAGCTGGGCAATGTACCTTCCAG-3'
Protein context (NP_004295.2, residues 368-388): HNEAAREILL[Met378Lys]PTPGKHGWTV